The following is an entry in ClinVar:

NM_006269.2(RP1):c.3589A>G (p.Ser1197Gly)

Gene: RP1 (RP1 axonemal microtubule associated; plus strand). Cytogenetic location: 8q12.1.
Variant type: single nucleotide variant.
Coding change: c.3589A>G on transcript NM_006269.2 (MANE Select); coding-DNA position 3589, A replaced by G.
Protein change: p.Ser1197Gly; replaces serine 1197 with glycine.
Molecular consequence: missense variant.
Genome position (GRCh38, 1-based): chr8:54,627,471, A>G. VCF-style: chr8-54627471-A-G. GRCh37 (hg19) VCF-style: chr8-55540031-A-G.
Other names: short protein forms S1197G.
Identifiers: ClinVar variation 444754 (VCV000444754.51), dbSNP rs201446128, ClinGen allele CA4751715.

ClinVar aggregate classification (germline): Uncertain significance. Review status: criteria provided, multiple submitters, no conflicts (2 of 4 stars). 6 submissions from 6 submitters: Uncertain significance (6). Last evaluated 2026-08-31.

Conditions:
Retinal dystrophy. Also called: Inherited retinal dystrophy. Identifiers: Orphanet 71862, MedGen C0854723, MeSH D058499, MONDO:0019118, HP:0000556.
RP1-related disorder. Also called: RP1-related condition.

Allele frequency attached by ClinVar (database versions not stated): ESP Exome Variant Server 0.00008; gnomAD 0.00013 and 0.00014; ExAC 0.00016; gnomAD exomes 0.00018 and 0.00023; TOPMed 0.00019.
gnomAD v4.1: 302 of 1,614,060 alleles (0.019%); highest among the groups gnomAD compares: Middle Eastern, 0.33%; 1 homozygote.

Submissions (6):

PreventionGenetics, part of Exact Sciences
Classification: Uncertain significance for RP1-related condition. Last evaluated: 2026-08-31. Review status: criteria provided, single submitter. Criteria: ACMG Guidelines, 2015. Collection method: clinical testing. Allele origin: germline.
Comment: The RP1 c.3589A>G variant is predicted to result in the amino acid substitution p.Ser1197Gly. This variant has been reported in the heterozygous state as an additional allele in an individual with Leber congenital amaurosis (Table S2, Eisenberger et al. 2013. PubMed ID: 24265693). This variant is reported in 0.034% of alleles in individuals of European (Non-Finnish) descent in gnomAD. At this time, the clinical significance of this variant is uncertain due to the absence of conclusive functional and genetic evidence.

Labcorp Genetics (formerly Invitae), Labcorp
Classification: Uncertain significance. Last evaluated: 2026-01-04. Review status: criteria provided, single submitter. Criteria: Invitae Variant Classification Sherloc (09022015). Collection method: clinical testing. Allele origin: germline.
Comment: This sequence change replaces serine, which is neutral and polar, with glycine, which is neutral and non-polar, at codon 1197 of the RP1 protein (p.Ser1197Gly). This variant is present in population databases (rs201446128, gnomAD 0.03%). This missense change has been observed in individual(s) with autosomal recessive Leber congenital amaurosis (PMID: 24265693). ClinVar contains an entry for this variant (Variation ID: 444754). An algorithm developed to predict the effect of missense changes on protein structure and function (PolyPhen-2) suggests that this variant is likely to be tolerated. In summary, the available evidence is currently insufficient to determine the role of this variant in disease. Therefore, it has been classified as a Variant of Uncertain Significance.

Blueprint Genetics
Classification: Uncertain significance. Last evaluated: 2024-10-24. Review status: criteria provided, single submitter. Criteria: ACMG Guidelines, 2015. Collection method: clinical testing. Allele origin: germline.

Institute of Human Genetics, Univ. Regensburg, Univ. Regensburg
Classification: Uncertain significance for Retinal dystrophy. Last evaluated: 2020-01-01. Review status: criteria provided, single submitter. Criteria: ACMG Guidelines, 2015. Collection method: clinical testing. Allele origin: germline. Affected: yes.

CeGaT Center for Human Genetics Tuebingen
Classification: Uncertain significance. Last evaluated: 2017-02-01. Review status: criteria provided, single submitter. Criteria: CeGaT Center For Human Genetics Tuebingen Variant Classification Criteria Version 2. Collection method: clinical testing. Allele origin: germline. Affected: yes. Observed: 1 variant allele.

Breakthrough Genomics
Classification: Uncertain significance. Review status: criteria provided, single submitter. Criteria: ACMG Guidelines, 2015. Collection method: not provided. Allele origin: germline. Inheritance: Autosomal recessive inheritance. Affected: yes.

Literature cited by the submitters: PubMed 24265693 (cited by Labcorp Genetics (formerly Invitae), Labcorp and Institute of Human Genetics, Univ. Regensburg, Univ. Regensburg).